The following is an entry in ClinVar:

NM_014795.4(ZEB2):c.1399G>A (p.Val467Met)

Gene: ZEB2 (zinc finger E-box binding homeobox 2; minus strand). Cytogenetic location: 2q22.3.
Variant type: single nucleotide variant.
Coding change: c.1399G>A on transcript NM_014795.4 (MANE Select); coding-DNA position 1399, G replaced by A.
Protein change: p.Val467Met; replaces valine 467 with methionine.
Molecular consequence: missense variant.
Genome position (GRCh38, 1-based): chr2:144,399,788, C>T on the plus strand (G>A on the coding strand, the complement: ZEB2 is on the minus strand). VCF-style: chr2-144399788-C-T. GRCh37 (hg19) VCF-style: chr2-145157355-C-T.
Other names: c.1327G>A, p.Val443Met (NM_001171653.2); short protein forms V443M, V467M.
Identifiers: ClinVar variation 3348876 (VCV003348876.1).
Genomic context (GRCh38, chr2:144,399,788, plus strand): 5'-TCAACTTTGAAATTTCTTCAGCCTTGCAGTCCATTTTTTGCCTGGAAACAGTATTGTCCA[C>T]AATCTGTAGAACCTTTTGTACCTCACTTAAATTACTATTCATGGTGGGAAACCCAAGTAA-3'
Protein context (NP_055610.1, residues 457-477): LSEVQKVLQI[Val467Met]DNTVSRQKMD

ClinVar aggregate classification (germline): Uncertain significance (0 of 4 stars; one submission).

Conditions:
ZEB2-related disorder. Also called: ZEB2-related condition.

gnomAD v4.1: 1 of 1,614,106 alleles (0.000062%); highest among the groups gnomAD compares: Non-Finnish European, 0.000085%; no homozygotes.

Submission:

PreventionGenetics, part of Exact Sciences
Classification: Uncertain significance for ZEB2-related condition. Last evaluated: 2024-03-27. Review status: no assertion criteria provided. Collection method: clinical testing. Allele origin: germline.
Comment: The ZEB2 c.1399G>A variant is predicted to result in the amino acid substitution p.Val467Met. To our knowledge, this variant has not been reported in the literature or in a large population database, indicating this variant is rare. At this time, the clinical significance of this variant is uncertain due to the absence of conclusive functional and genetic evidence.